The following is an entry in ClinVar:

ClinVar aggregate classification (germline): Uncertain significance (1 of 4 stars; one submission).

Conditions:
Symmetrical dyschromatosis of extremities (DSH). Also called: DYSCHROMATOSIS SYMMETRICA HEREDITARIA 1; RETICULATE ACROPIGMENTATION OF DOHI; SYMMETRIC DYSCHROMATOSIS OF THE EXTREMITIES; Dyschromatosis symmetrica hereditaria. Identifiers: Orphanet 41, MedGen C0406775, MONDO:0007483, OMIM 127400.
Aicardi-Goutieres syndrome 6 (AGS6). Identifiers: Orphanet 51, MedGen C3539013, MONDO:0014007, OMIM 615010.

Allele frequency attached by ClinVar (database versions not stated): TOPMed below 0.00001; gnomAD 0.00001.
gnomAD v4.1: 1 of 1,614,106 alleles (0.000062%); highest among the groups gnomAD compares: Non-Finnish European, 0.000085%; no homozygotes.

Submission:

Labcorp Genetics (formerly Invitae), Labcorp
Classification: Uncertain significance for Aicardi-Goutieres syndrome 6; Symmetrical dyschromatosis of extremities. Last evaluated: 2022-08-16. Review status: criteria provided, single submitter. Criteria: Invitae Variant Classification Sherloc (09022015). Collection method: clinical testing. Allele origin: germline.
Comment: In summary, the available evidence is currently insufficient to determine the role of this variant in disease. Therefore, it has been classified as a Variant of Uncertain Significance. Algorithms developed to predict the effect of missense changes on protein structure and function are either unavailable or do not agree on the potential impact of this missense change (SIFT: "Deleterious"; PolyPhen-2: "Probably Damaging"; Align-GVGD: "Class C0"). ClinVar contains an entry for this variant (Variation ID: 1426482). This variant has not been reported in the literature in individuals affected with ADAR-related conditions. This variant is not present in population databases (gnomAD no frequency). This sequence change replaces cysteine, which is neutral and slightly polar, with tyrosine, which is neutral and polar, at codon 519 of the ADAR protein (p.Cys519Tyr).

NM_001111.5(ADAR):c.1556G>A (p.Cys519Tyr)

Gene: ADAR (adenosine deaminase RNA specific; minus strand). Cytogenetic location: 1q21.3.
Variant type: single nucleotide variant.
Coding change: c.1556G>A on transcript NM_001111.5 (MANE Select); coding-DNA position 1556, G replaced by A.
Protein change: p.Cys519Tyr; replaces cysteine 519 with tyrosine.
Molecular consequence: missense variant.
Genome position (GRCh38, 1-based): chr1:154,601,086, C>T on the plus strand (G>A on the coding strand, the complement: ADAR is on the minus strand). VCF-style: chr1-154601086-C-T. GRCh37 (hg19) VCF-style: chr1-154573562-C-T.
Other names: c.671G>A, p.Cys224Tyr (NM_001025107.3, NM_001193495.2, NM_001365046.1 and 3 more transcripts); c.1583G>A, p.Cys528Tyr (NM_001365045.1); c.1556G>A, p.Cys519Tyr (NM_015840.4, NM_015841.4); short protein forms C224Y, C528Y, C519Y.
Identifiers: ClinVar variation 1426482 (VCV001426482.6), dbSNP rs1404371210, ClinGen allele CA342596011.